The following is an entry in ClinVar:

ClinVar aggregate classification (germline): Conflicting classifications of pathogenicity. Review status: criteria provided, conflicting classifications (1 of 4 stars). 2 submissions from 2 submitters: Uncertain significance (1); Likely benign (1). Last evaluated 2024-05-15.

Conditions:
Spastic paraplegia. Identifiers: MedGen C0037772, HP:0001258.

Allele frequency attached by ClinVar (database versions not stated): gnomAD exomes below 0.00001 and 0.00001; ExAC 0.00001; gnomAD 0.00001; TOPMed 0.00002.
gnomAD v4.1: 8 of 1,613,938 alleles (0.0005%); highest among the groups gnomAD compares: Non-Finnish European, 0.00059%; no homozygotes.

Submissions (2):

Labcorp Genetics (formerly Invitae), Labcorp
Classification: Likely benign for Spastic paraplegia. Last evaluated: 2024-05-15. Review status: criteria provided, single submitter. Criteria: Invitae Variant Classification Sherloc (09022015). Collection method: clinical testing. Allele origin: germline.

CeGaT Center for Human Genetics Tuebingen
Classification: Uncertain significance. Last evaluated: 2024-05-01. Review status: criteria provided, single submitter. Criteria: CeGaT Center For Human Genetics Tuebingen Variant Classification Criteria Version 2. Collection method: clinical testing. Allele origin: germline. Affected: yes. Observed: 1 variant allele.
Comment: KIF5A: PM2:Supporting, BP4

NM_004984.4(KIF5A):c.2571G>A (p.Glu857=)

Gene: KIF5A (kinesin family member 5A; plus strand). Cytogenetic location: 12q13.3.
Variant type: single nucleotide variant.
Coding change: c.2571G>A on transcript NM_004984.4 (MANE Select); coding-DNA position 2571, G replaced by A.
Protein change: p.Glu857=; no amino-acid change (glutamic acid 857 retained).
Molecular consequence: synonymous variant.
Genome position (GRCh38, 1-based): chr12:57,580,988, G>A. VCF-style: chr12-57580988-G-A. GRCh37 (hg19) VCF-style: chr12-57974771-G-A.
Other names: c.2304G>A, p.Glu768= (NM_001354705.2).
Identifiers: ClinVar variation 1662622 (VCV001662622.27), dbSNP rs747531341, ClinGen allele CA6653163.